The following is an entry in ClinVar:

ClinVar aggregate classification (germline): Uncertain significance (1 of 4 stars; one submission).

Submission:

GeneDx
Classification: Uncertain significance. Last evaluated: 2017-11-03. Review status: criteria provided, single submitter. Criteria: GeneDx Variant Classification (06012015). Collection method: clinical testing. Allele origin: germline. Affected: yes.
Comment: The D2402G variant has not been published as a pathogenic variant, nor has it been reported as a benign variant to our knowledge. The D2402G variant is not observed in large population cohorts (Lek et al., 2016). The D2402G variant is a non-conservative amino acid substitution, which is likely to impact secondary protein structure as these residues differ in polarity, charge, size and/or other properties. This substitution occurs at a position that is conserved across species, and in silico analysis predicts this variant is probably damaging to the protein structure/function. Based on the currently available information, it is unclear whether this variant is a pathogenic variant or a rare benign variant.

NM_005045.4(RELN):c.7205A>G (p.Asp2402Gly)

Gene: RELN (reelin; minus strand). Cytogenetic location: 7q22.1.
Variant type: single nucleotide variant.
Coding change: c.7205A>G on transcript NM_005045.4 (MANE Select); coding-DNA position 7205, A replaced by G.
Protein change: p.Asp2402Gly; replaces aspartic acid 2402 with glycine.
Molecular consequence: missense variant.
Genome position (GRCh38, 1-based): chr7:103,535,460, T>C on the plus strand (A>G on the coding strand, the complement: RELN is on the minus strand). VCF-style: chr7-103535460-T-C. GRCh37 (hg19) VCF-style: chr7-103175907-T-C.
Other names: c.7205A>G, p.Asp2402Gly (NM_173054.3); short protein forms D2402G.
Identifiers: ClinVar variation 453132 (VCV000453132.2), dbSNP rs1554373017, ClinGen allele CA368768904.
Genomic context (GRCh38, chr7:103,535,460, plus strand): 5'-CTGCATTCCACATTGGTAGGCAGACAGTCCCTTACCAATGGGTGCCATGACAATCCAAGA[T>C]CTACTGAGTATTCCAATTCAATCGCTGAAACAGGAAACATTATTTTGGATATAAACACAT-3'
Protein context (NP_005036.2, residues 2392-2412): CYAIELEYSV[Asp2402Gly]LGLSWHPLVR